The following is an entry in ClinVar:

ClinVar aggregate classification (germline): Benign/Likely benign. Review status: criteria provided, multiple submitters, no conflicts (2 of 4 stars). 5 submissions from 5 submitters: Benign (1); Likely benign (4). Last evaluated 2025-11-11.

Conditions:
Hereditary cancer-predisposing syndrome. Also called: Neoplastic Syndromes, Hereditary; Tumor predisposition; Hereditary Cancer Syndrome; Hereditary neoplastic syndrome. Identifiers: Orphanet 140162, MedGen C0027672, MeSH D009386, MONDO:0015356.
Tuberous sclerosis syndrome (TSC). Also called: Tuberous Sclerosis Complex; Tuberous sclerosis. Identifiers: Orphanet 805, MedGen C0041341, MONDO:0001734.
Tuberous sclerosis 2 (TSC2). Identifiers: Orphanet 805, MedGen C1860707, MONDO:0013199, OMIM 613254.

Allele frequency attached by ClinVar (database versions not stated): TOPMed below 0.00001; gnomAD exomes 0.00001 and 0.00002.
gnomAD v4.1: 26 of 1,612,972 alleles (0.0016%); highest among the groups gnomAD compares: Non-Finnish European, 0.0021%; no homozygotes.

Submissions (5):

Labcorp Genetics (formerly Invitae), Labcorp
Classification: Likely benign for Tuberous sclerosis 2. Last evaluated: 2025-11-11. Review status: criteria provided, single submitter. Criteria: Invitae Variant Classification Sherloc (09022015). Collection method: clinical testing. Allele origin: germline.

Myriad Genetics, Inc.
Classification: Benign for Tuberous sclerosis 2. Last evaluated: 2025-05-30. Review status: criteria provided, single submitter. Criteria: Myriad Autosomal Dominant, Autosomal Recessive and X-Linked Classification Criteria (2023). Collection method: clinical testing. Allele origin: unknown.
Comment: This variant is considered benign. This variant is a silent/synonymous amino acid change and it is not expected to impact splicing.

Blueprint Genetics
Classification: Likely benign. Last evaluated: 2023-05-31. Review status: criteria provided, single submitter. Criteria: ACMG Guidelines, 2015. Collection method: clinical testing. Allele origin: germline.

All of Us Research Program, National Institutes of Health
Classification: Likely benign for Tuberous sclerosis syndrome. Last evaluated: 2023-04-27. Review status: criteria provided, single submitter. Criteria: ACMG Guidelines, 2015. Collection method: clinical testing. Allele origin: germline. Inheritance: Autosomal dominant inheritance. Observed: 2 variant alleles, 2 heterozygotes.
Comment: This study involves interpretation of variants in research participants for the purpose of population health screening. Participant phenotype was not available at the time of variant classification. Additional details can be found in publication PMID: 35346344, PMCID: PMC8962531

Ambry Genetics
Classification: Likely benign for Hereditary cancer-predisposing syndrome. Last evaluated: 2020-07-23. Review status: criteria provided, single submitter. Criteria: Ambry Variant Classification Scheme 2023. Collection method: clinical testing. Allele origin: germline.

NM_000548.5(TSC2):c.3705C>T (p.Leu1235=)

Gene: TSC2 (TSC complex subunit 2; plus strand). Cytogenetic location: 16p13.3.
Variant type: single nucleotide variant.
Coding change: c.3705C>T on transcript NM_000548.5 (MANE Select); coding-DNA position 3705, C replaced by T.
Protein change: p.Leu1235=; no amino-acid change (leucine 1235 retained).
Molecular consequence: synonymous variant.
Genome position (GRCh38, 1-based): chr16:2,081,689, C>T. VCF-style: chr16-2081689-C-T. GRCh37 (hg19) VCF-style: chr16-2131690-C-T.
Other names: c.3573C>T, p.Leu1191= (NM_001077183.3, NM_001370404.1); c.3705C>T, p.Leu1235= (NM_001114382.3); c.3465C>T, p.Leu1155= (NM_001318827.2); c.3429C>T, p.Leu1143= (NM_001318829.2); c.2973C>T, p.Leu991= (NM_001318831.2); c.3606C>T, p.Leu1202= (NM_001318832.2); c.3576C>T, p.Leu1192= (NM_001363528.2, NM_001370405.1, NM_021055.3).
Identifiers: ClinVar variation 536096 (VCV000536096.17), dbSNP rs1386839308, ClinGen allele CA493043101.